The following is an entry in ClinVar:

ClinVar aggregate classification (germline): Uncertain significance (1 of 4 stars; one submission).

Allele frequency attached by ClinVar (database versions not stated): gnomAD exomes below 0.00001 and 0.00002; gnomAD 0.00001.
gnomAD v4.1: 22 of 1,605,410 alleles (0.0014%); highest among the groups gnomAD compares: Non-Finnish European, 0.0019%; no homozygotes.

Submission:

Labcorp Genetics (formerly Invitae), Labcorp
Classification: Uncertain significance. Last evaluated: 2021-10-08. Review status: criteria provided, single submitter. Criteria: Invitae Variant Classification Sherloc (09022015). Collection method: clinical testing. Allele origin: germline.
Comment: This sequence change replaces aspartic acid with glycine at codon 573 of the MCM3AP protein (p.Asp573Gly). The aspartic acid residue is highly conserved and there is a moderate physicochemical difference between aspartic acid and glycine. This variant is not present in population databases (ExAC no frequency). This variant has not been reported in the literature in individuals affected with MCM3AP-related conditions. Algorithms developed to predict the effect of missense changes on protein structure and function are either unavailable or do not agree on the potential impact of this missense change (SIFT: "Tolerated"; PolyPhen-2: "Probably Damaging"; Align-GVGD: "Class C0"). In summary, the available evidence is currently insufficient to determine the role of this variant in disease. Therefore, it has been classified as a Variant of Uncertain Significance.

NM_003906.5(MCM3AP):c.1718A>G (p.Asp573Gly)

Gene: MCM3AP (minichromosome maintenance complex component 3 associated protein; minus strand). Cytogenetic location: 21q22.3.
Variant type: single nucleotide variant.
Coding change: c.1718A>G on transcript NM_003906.5 (MANE Select); coding-DNA position 1718, A replaced by G.
Protein change: p.Asp573Gly; replaces aspartic acid 573 with glycine.
Molecular consequence: missense variant.
Genome position (GRCh38, 1-based): chr21:46,277,667, T>C on the plus strand (A>G on the coding strand, the complement: MCM3AP is on the minus strand). VCF-style: chr21-46277667-T-C. GRCh37 (hg19) VCF-style: chr21-47697581-T-C.
Other names: short protein forms D573G.
Identifiers: ClinVar variation 1467788 (VCV001467788.3), dbSNP rs1283284751, ClinGen allele CA410527850.
Genomic context (GRCh38, chr21:46,277,667, plus strand): 5'-CTGAGGGAGAGCACACATGGCCCGAGGCCCTCGGAGCCCTCGGAGGCTGAGTCAAAAGAG[T>C]CTCCCTCGAATTGGTGGGCCTTTAGAAGACTTGGCTTCTTCACTGGAGAGCTATAAAGTA-3'
Protein context (NP_003897.2, residues 563-583): SLLKAHQFEG[Asp573Gly]SFDSASEGSE